The following is an entry in ClinVar:

ClinVar aggregate classification (germline): Benign/Likely benign. Review status: criteria provided, multiple submitters, no conflicts (2 of 4 stars). 7 submissions from 3 submitters: Benign (4); Likely benign (2). 1 of the submissions does not count toward it. Last evaluated 2026-01-15.

Conditions:
SCN4A-related disorder. Also called: SCN4A-related disorders.
Hypokalemic periodic paralysis, type 2 (HOKPP2). Identifiers: Orphanet 681, MedGen C2750061, MONDO:0013234, OMIM 613345.
Congenital myasthenic syndrome 16. Identifiers: Orphanet 590, MedGen C3280112, MONDO:0013620, OMIM 614198.
Paramyotonia congenita of Von Eulenburg. Also called: Paramyotonia Congenita; PARALYSIS PERIODICA PARAMYOTONICA; Eulenburg disease; Myotonia congenita intermittens; Von Eulenburg paramyotonia congenita. Identifiers: Orphanet 684, MedGen C0221055, MONDO:0008195, OMIM 168300. Disease mechanism: loss of function.
Potassium-aggravated myotonia. Also called: Myotonia congenita, atypical, acetazolamide-responsive; MYOTONIA CONGENITA, ACETAZOLAMIDE-RESPONSIVE; MYOTONIA CONGENITA, ATYPICAL; SODIUM CHANNEL MUSCLE DISEASE. Identifiers: Orphanet 612, Orphanet 99734, Orphanet 99735, Orphanet 99736, MedGen C2931826, MONDO:0018959, OMIM 608390.
Hyperkalemic periodic paralysis. Also called: Familial hyperkalemic periodic paralysis; Gamstorp disease. Identifiers: Orphanet 682, MedGen C0238357, MONDO:0008224, OMIM 170500, HP:0007215.

Allele frequency attached by ClinVar (database versions not stated): gnomAD 0.00013 and 0.00011; TOPMed 0.00017; 1000 Genomes Project 30x 0.00031; gnomAD exomes 0.00048; ExAC 0.00065; 1000 Genomes Project 0.00040.
gnomAD v4.1: 277 of 1,612,738 alleles (0.017%); highest among the groups gnomAD compares: East Asian, 0.6%; 1 homozygote.

Submissions (7):

Labcorp Genetics (formerly Invitae), Labcorp
Classification: Likely benign for Hyperkalemic periodic paralysis. Last evaluated: 2026-01-15. Review status: criteria provided, single submitter. Criteria: Invitae Variant Classification Sherloc (09022015). Collection method: clinical testing. Allele origin: germline.

Illumina Laboratory Services, Illumina
Classification: Benign for Potassium-aggravated myotonia. Last evaluated: 2018-01-13. Review status: criteria provided, single submitter. Criteria: ICSL Variant Classification Criteria 13 December 2019. Collection method: clinical testing. Allele origin: germline.
Comment: This variant was observed in the ICSL laboratory as part of a predisposition screen in an ostensibly healthy population. It had not been previously curated by ICSL or reported in the Human Gene Mutation Database (HGMD: prior to June 1st, 2018), and was therefore a candidate for classification through an automated scoring system. Utilizing variant allele frequency, disease prevalence and penetrance estimates, and inheritance mode, an automated score was calculated to assess if this variant is too frequent to cause the disease. Based on the score and internal cut-off values, a variant classified as benign is not then subjected to further curation. The score for this variant resulted in a classification of benign for this disease.

Illumina Laboratory Services, Illumina
Classification: Benign for Hyperkalemic periodic paralysis. Last evaluated: 2018-01-13. Review status: criteria provided, single submitter. Criteria: ICSL Variant Classification Criteria 13 December 2019. Collection method: clinical testing. Allele origin: germline.
Comment: the same text as in the submission from Illumina Laboratory Services, Illumina above.

Illumina Laboratory Services, Illumina
Classification: Likely benign for Congenital myasthenic syndrome 16. Last evaluated: 2018-01-13. Review status: criteria provided, single submitter. Criteria: ICSL Variant Classification Criteria 13 December 2019. Collection method: clinical testing. Allele origin: germline.
Comment: This variant was observed in the ICSL laboratory as part of a predisposition screen in an ostensibly healthy population. It had not been previously curated by ICSL or reported in the Human Gene Mutation Database (HGMD: prior to June 1st, 2018), and was therefore a candidate for classification through an automated scoring system. Utilizing variant allele frequency, disease prevalence and penetrance estimates, and inheritance mode, an automated score was calculated to assess if this variant is too frequent to cause the disease. Based on the score and internal cut-off values, a variant classified as likely benign is not then subjected to further curation. The score for this variant resulted in a classification of likely benign for this disease.

Illumina Laboratory Services, Illumina
Classification: Benign for Hypokalemic periodic paralysis, type 2. Last evaluated: 2018-01-13. Review status: criteria provided, single submitter. Criteria: ICSL Variant Classification Criteria 13 December 2019. Collection method: clinical testing. Allele origin: germline.
Comment: the same text as in the submission from Illumina Laboratory Services, Illumina above.

Illumina Laboratory Services, Illumina
Classification: Benign for Paramyotonia congenita of Von Eulenburg. Last evaluated: 2018-01-13. Review status: criteria provided, single submitter. Criteria: ICSL Variant Classification Criteria 13 December 2019. Collection method: clinical testing. Allele origin: germline.
Comment: the same text as in the submission from Illumina Laboratory Services, Illumina above.

PreventionGenetics, part of Exact Sciences
Classification: Likely benign for SCN4A-related condition. Last evaluated: 2019-11-19. Review status: no assertion criteria provided. Collection method: clinical testing. Allele origin: germline. Not counted in ClinVar's aggregate classification.
Comment: This variant is classified as likely benign based on ACMG/AMP sequence variant interpretation guidelines (Richards et al. 2015 PMID: 25741868, with internal and published modifications).

NM_000334.4(SCN4A):c.1288A>G (p.Ile430Val)

Gene: SCN4A (sodium voltage-gated channel alpha subunit 4; minus strand). Cytogenetic location: 17q23.3.
Variant type: single nucleotide variant.
Coding change: c.1288A>G on transcript NM_000334.4 (MANE Select); coding-DNA position 1288, A replaced by G.
Protein change: p.Ile430Val; replaces isoleucine 430 with valine.
Molecular consequence: missense variant.
Genome position (GRCh38, 1-based): chr17:63,964,632, T>C on the plus strand (A>G on the coding strand, the complement: SCN4A is on the minus strand). VCF-style: chr17-63964632-T-C. GRCh37 (hg19) VCF-style: chr17-62041992-T-C.
Other names: short protein forms I430V.
Identifiers: ClinVar variation 324544 (VCV000324544.19), dbSNP rs149907018, ClinGen allele CA8709875.